The following is an entry in ClinVar:

ClinVar aggregate classification (germline): Benign (1 of 4 stars; one submission).

Allele frequency attached by ClinVar (database versions not stated): gnomAD 0.05743 and 0.05950; TOPMed 0.06373; 1000 Genomes Project 0.07308; 1000 Genomes Project 30x 0.07573.
gnomAD v4.1: 8,665 of 152,258 alleles (5.7%); highest among the groups gnomAD compares: African/African-American, 17%; 653 homozygotes.

Submission:

GeneDx
Classification: Benign. Last evaluated: 2018-06-14. Review status: criteria provided, single submitter. Criteria: GeneDx Variant Classification (06012015). Collection method: clinical testing. Allele origin: germline. Affected: yes.
Comment: This variant is considered likely benign or benign based on one or more of the following criteria: it is a conservative change, it occurs at a poorly conserved position in the protein, it is predicted to be benign by multiple in silico algorithms, and/or has population frequency not consistent with disease.

NM_001195518.2(MICU1):c.1271-277A>G

Gene: MICU1 (mitochondrial calcium uptake 1; minus strand). Cytogenetic location: 10q22.1.
Variant type: single nucleotide variant.
Coding change: c.1271-277A>G on transcript NM_001195518.2 (MANE Select); 277 bases into the intron before coding-DNA position 1271, A replaced by G.
Molecular consequence: intron variant.
Genome position (GRCh38, 1-based): chr10:72,368,632, T>C on the plus strand (A>G on the coding strand, the complement: MICU1 is on the minus strand). VCF-style: chr10-72368632-T-C. GRCh37 (hg19) VCF-style: chr10-74128390-T-C.
Other names: c.1277-277A>G (NM_006077.4); c.1289-277A>G (NM_001363513.2); c.677-277A>G (NM_001195519.2).
Identifiers: ClinVar variation 673172 (VCV000673172.1), dbSNP rs12217906, ClinGen allele CA209541049.
Genomic context (GRCh38, chr10:72,368,632, plus strand): 5'-AAAATACAGTATATGCCAGGTCTTGTGCCAGGTGTTTAGAACAAGGAGATAAATGAGCTT[T>C]GTGCTTTGTCCCTGGAAATACTTCCAGGCTGTAGGAGAGACAAATTATTATACCACAGTG-3'